The following is an entry in ClinVar:

NM_006618.5(KDM5B):c.2197C>T (p.Arg733Trp)

Gene: KDM5B (lysine demethylase 5B; minus strand). Cytogenetic location: 1q32.1.
Variant type: single nucleotide variant.
Coding change: c.2197C>T on transcript NM_006618.5 (MANE Select); coding-DNA position 2197, C replaced by T.
Protein change: p.Arg733Trp; replaces arginine 733 with tryptophan.
Molecular consequence: missense variant.
Genome position (GRCh38, 1-based): chr1:202,746,143, G>A on the plus strand (C>T on the coding strand, the complement: KDM5B is on the minus strand). VCF-style: chr1-202746143-G-A. GRCh37 (hg19) VCF-style: chr1-202715271-G-A.
Other names: c.2305C>T, p.Arg769Trp (NM_001314042.2); c.2062C>T, p.Arg688Trp (NM_001347591.2); c.2182C>T, p.Arg728Trp (NM_001399817.1); c.2197C>T (NM_006618.4); short protein forms R733W, R728W, R688W, R769W.
Identifiers: ClinVar variation 2594379 (VCV002594379.6), dbSNP rs200210227, ClinGen allele CA1334520.

ClinVar aggregate classification (germline): Uncertain significance. Review status: criteria provided, multiple submitters, no conflicts (2 of 4 stars). 3 submissions from 3 submitters: Uncertain significance (2). 1 of the submissions does not count toward it. Last evaluated 2026-05-01.

Conditions:
Inborn genetic diseases. Identifiers: MedGen C0950123, MeSH D030342.
KDM5B-related disorder. Also called: KDM5B-related condition.

Allele frequency attached by ClinVar (database versions not stated): gnomAD 0.00005; TOPMed 0.00006; ExAC 0.00007.
gnomAD v4.1: 133 of 1,603,804 alleles (0.0083%); highest among the groups gnomAD compares: Middle Eastern, 0.05%; 1 homozygote.

Submissions (3):

CeGaT Center for Human Genetics Tuebingen
Classification: Uncertain significance. Last evaluated: 2026-05-01. Review status: criteria provided, single submitter. Criteria: CeGaT Center For Human Genetics Tuebingen Variant Classification Criteria Version 2. Collection method: clinical testing. Allele origin: germline. Affected: yes. Observed: 1 variant allele.

Ambry Genetics
Classification: Uncertain significance for Inborn genetic diseases. Last evaluated: 2023-08-04. Review status: criteria provided, single submitter. Criteria: Ambry Variant Classification Scheme 2023. Collection method: clinical testing. Allele origin: germline.

PreventionGenetics, part of Exact Sciences
Classification: Uncertain significance for KDM5B-related condition. Last evaluated: 2024-07-09. Review status: no assertion criteria provided. Collection method: clinical testing. Allele origin: germline. Not counted in ClinVar's aggregate classification.
Comment: The KDM5B c.2197C>T variant is predicted to result in the amino acid substitution p.Arg733Trp. To our knowledge, this variant has not been reported in the literature. This variant is reported in 0.015% of alleles in individuals of European (non-Finnish) descent in gnomAD. At this time, the clinical significance of this variant is uncertain due to the absence of conclusive functional and genetic evidence.